The following is an entry in ClinVar:

NM_024537.4(CARS2):c.417C>T (p.Leu139=)

Gene: CARS2 (cysteinyl-tRNA synthetase 2, mitochondrial; minus strand). Cytogenetic location: 13q34.
Variant type: single nucleotide variant.
Coding change: c.417C>T on transcript NM_024537.4 (MANE Select); coding-DNA position 417, C replaced by T.
Protein change: p.Leu139=; no amino-acid change (leucine 139 retained).
Molecular consequence: synonymous variant. On other transcripts: 5 prime UTR variant (1), non-coding transcript variant (2).
Genome position (GRCh38, 1-based): chr13:110,687,995, G>A on the plus strand (C>T on the coding strand, the complement: CARS2 is on the minus strand). VCF-style: chr13-110687995-G-A. GRCh37 (hg19) VCF-style: chr13-111340342-G-A.
Other names: p.Leu139=; c.-583C>T (NM_001352252.2); c.417C>T, p.Leu139= (NM_001352253.3).
Identifiers: ClinVar variation 379948 (VCV000379948.15), dbSNP rs2304767, ClinGen allele CA7052259.
Genomic context (GRCh38, chr13:110,687,995, plus strand): 5'-CCCACACTTTACCTTCAGGGCTGCCATGTCCTGCTTGAAGTCTTCCTCATAAAGACTGGC[G>A]AGGGAAGCGGGGGAAATATTCATCTGCAGAAGGATTAGATGTGCACGTTAATGAGTCTGG-3'
Protein context (NP_078813.1, residues 129-149): ANEMNISPAS[Leu139=]ASLYEEDFKQ

ClinVar aggregate classification (germline): Benign. Review status: criteria provided, multiple submitters, no conflicts (2 of 4 stars). 6 submissions from 6 submitters: Benign (6). Last evaluated 2026-02-04.

Conditions:
Combined oxidative phosphorylation defect type 27. Also called: Combined oxidative phosphorylation deficiency 27. Identifiers: Orphanet 477774, MedGen C5567608, MONDO:0014728, OMIM 616672.

Allele frequency attached by ClinVar (database versions not stated): 1000 Genomes Project 30x 0.14179; 1000 Genomes Project 0.14796; TOPMed 0.21645; gnomAD 0.23042 and 0.23275; ESP Exome Variant Server 0.24450; gnomAD exomes 0.24773; ExAC 0.25297.
gnomAD v4.1: 484,271 of 1,607,640 alleles (30%); highest among the groups gnomAD compares: Non-Finnish European, 34%; 79,351 homozygotes.

Submissions (6):

Labcorp Genetics (formerly Invitae), Labcorp
Classification: Benign for Combined oxidative phosphorylation defect type 27. Last evaluated: 2026-02-04. Review status: criteria provided, single submitter. Criteria: Invitae Variant Classification Sherloc (09022015). Collection method: clinical testing. Allele origin: germline.

Blueprint Genetics
Classification: Benign. Last evaluated: 2024-11-27. Review status: criteria provided, single submitter. Criteria: ACMG Guidelines, 2015. Collection method: clinical testing. Allele origin: germline.

Unidad de Genómica Garrahan, Hospital de Pediatría Garrahan
Classification: Benign. Last evaluated: 2024-07-31. Review status: criteria provided, single submitter. Criteria: ACMG Guidelines, 2015. Collection method: clinical testing. Allele origin: germline. Affected: no. Observed: 46 variant alleles.
Comment: This variant is classified as Benign based on local population frequency. This variant was detected in 49% of patients studied in a panel designed for Epileptic and Developmental Encephalopathy, Progressive Myoclonus Epilepsy and Abnormal Movements and Neurodegeneration with brain iron accumulation. Number of patients: 46. Only high quality variants are reported.

Mayo Clinic Laboratories, Mayo Clinic
Classification: Benign. Last evaluated: 2022-10-27. Review status: criteria provided, single submitter. Criteria: ACMG Guidelines, 2015. Collection method: clinical testing. Allele origin: germline. Observed: 206 variant alleles.

GeneDx
Classification: Benign. Last evaluated: 2016-01-21. Review status: criteria provided, single submitter. Criteria: GeneDx Variant Classification (06012015). Collection method: clinical testing. Allele origin: germline. Affected: yes.
Comment: This variant is considered likely benign or benign based on one or more of the following criteria: it is a conservative change, it occurs at a poorly conserved position in the protein, it is predicted to be benign by multiple in silico algorithms, and/or has population frequency not consistent with disease.

Breakthrough Genomics
Classification: Benign. Review status: criteria provided, single submitter. Criteria: ACMG Guidelines, 2015. Collection method: not provided. Allele origin: germline. Inheritance: Autosomal recessive inheritance. Affected: yes.